The following is an entry in ClinVar:

ClinVar aggregate classification (germline): Uncertain significance (1 of 4 stars; one submission).

Conditions:
RYR1-related disorder. Also called: RYR1-related disorders; RYR1-related condition. Identifiers: MedGen CN239331.

Submission:

Labcorp Genetics (formerly Invitae), Labcorp
Classification: Uncertain significance for RYR1-related disorder. Last evaluated: 2021-08-26. Review status: criteria provided, single submitter. Criteria: Invitae Variant Classification Sherloc (09022015). Collection method: clinical testing. Allele origin: germline.
Comment: This sequence change replaces arginine with proline at codon 2575 of the RYR1 protein (p.Arg2575Pro). The arginine residue is moderately conserved and there is a moderate physicochemical difference between arginine and proline. This variant is not present in population databases (ExAC no frequency). This variant has not been reported in the literature in individuals affected with RYR1-related conditions. Algorithms developed to predict the effect of missense changes on protein structure and function are either unavailable or do not agree on the potential impact of this missense change (SIFT: "Deleterious"; PolyPhen-2: "Benign"; Align-GVGD: "Class C0"). In summary, the available evidence is currently insufficient to determine the role of this variant in disease. Therefore, it has been classified as a Variant of Uncertain Significance.

NM_000540.3(RYR1):c.7724G>C (p.Arg2575Pro)

Gene: RYR1 (ryanodine receptor 1; plus strand). Cytogenetic location: 19q13.2.
Variant type: single nucleotide variant.
Coding change: c.7724G>C on transcript NM_000540.3 (MANE Select); coding-DNA position 7724, G replaced by C.
Protein change: p.Arg2575Pro; replaces arginine 2575 with proline.
Molecular consequence: missense variant.
Genome position (GRCh38, 1-based): chr19:38,502,616, G>C. VCF-style: chr19-38502616-G-C. GRCh37 (hg19) VCF-style: chr19-38993256-G-C.
Other names: c.7724G>C, p.Arg2575Pro (NM_001042723.2); short protein forms R2575P.
Identifiers: ClinVar variation 838710 (VCV000838710.7), dbSNP rs369450781, ClinGen allele CA405671808.